The following is an entry in ClinVar:

ClinVar aggregate classification (germline): Uncertain significance (1 of 4 stars; one submission).

Submission:

Labcorp Genetics (formerly Invitae), Labcorp
Classification: Uncertain significance. Last evaluated: 2024-10-03. Review status: criteria provided, single submitter. Criteria: Invitae Variant Classification Sherloc (09022015). Collection method: clinical testing. Allele origin: germline.
Comment: This sequence change replaces glutamic acid, which is acidic and polar, with glycine, which is neutral and non-polar, at codon 1101 of the ITGAM protein (p.Glu1101Gly). This variant is not present in population databases (gnomAD no frequency). This variant has not been reported in the literature in individuals affected with ITGAM-related conditions. An algorithm developed to predict the effect of missense changes on protein structure and function (PolyPhen-2) suggests that this variant is likely to be disruptive. In summary, the available evidence is currently insufficient to determine the role of this variant in disease. Therefore, it has been classified as a Variant of Uncertain Significance.

NM_000632.4(ITGAM):c.3302A>G (p.Glu1101Gly)

Gene: ITGAM (integrin subunit alpha M; plus strand). Cytogenetic location: 16p11.2.
Variant type: single nucleotide variant.
Coding change: c.3302A>G on transcript NM_000632.4 (MANE Select); coding-DNA position 3302, A replaced by G.
Protein change: p.Glu1101Gly; replaces glutamic acid 1101 with glycine.
Molecular consequence: missense variant.
Genome position (GRCh38, 1-based): chr16:31,331,190, A>G. VCF-style: chr16-31331190-A-G. GRCh37 (hg19) VCF-style: chr16-31342511-A-G.
Other names: c.3305A>G, p.Glu1102Gly (NM_001145808.2); short protein forms E1101G, E1102G.
Identifiers: ClinVar variation 3721578 (VCV003721578.2).